The following is an entry in ClinVar:

ClinVar aggregate classification (germline): Uncertain significance. Review status: criteria provided, multiple submitters, no conflicts (2 of 4 stars). 2 submissions from 2 submitters: Uncertain significance (2). Last evaluated 2023-08-19.

Conditions:
CASP10-related disorder. Also called: CASP10-related condition.
Autoimmune lymphoproliferative syndrome type 2A (ALPS2A). Also called: CASP10-Related Autoimmune Lymphoproliferative Syndrome; AUTOIMMUNE LYMPHOPROLIFERATIVE SYNDROME, TYPE IIA; Autoimmune lymphoproliferative syndrome type 2. Identifiers: Orphanet 3261, MedGen C1858968, MONDO:0011383, OMIM 603909.

Allele frequency attached by ClinVar (database versions not stated): TOPMed below 0.00001; ExAC 0.00001; gnomAD 0.00001.
gnomAD v4.1: 5 of 1,613,922 alleles (0.00031%); highest among the groups gnomAD compares: African/African-American, 0.0013%; no homozygotes.

Submissions (2):

Labcorp Genetics (formerly Invitae), Labcorp
Classification: Uncertain significance for Autoimmune lymphoproliferative syndrome type 2A. Last evaluated: 2023-08-19. Review status: criteria provided, single submitter. Criteria: Invitae Variant Classification Sherloc (09022015). Collection method: clinical testing. Allele origin: germline.
Comment: This sequence change replaces alanine, which is neutral and non-polar, with threonine, which is neutral and polar, at codon 400 of the CASP10 protein (p.Ala400Thr). This variant is not present in population databases (gnomAD no frequency). This variant has not been reported in the literature in individuals affected with CASP10-related conditions. ClinVar contains an entry for this variant (Variation ID: 2058509). Advanced modeling of protein sequence and biophysical properties (such as structural, functional, and spatial information, amino acid conservation, physicochemical variation, residue mobility, and thermodynamic stability) has been performed at Invitae for this missense variant, however the output from this modeling did not meet the statistical confidence thresholds required to predict the impact of this variant on CASP10 protein function. Algorithms developed to predict the effect of sequence changes on RNA splicing suggest that this variant may disrupt the consensus splice site. In summary, the available evidence is currently insufficient to determine the role of this variant in disease. Therefore, it has been classified as a Variant of Uncertain Significance.

PreventionGenetics, part of Exact Sciences
Classification: Uncertain significance for CASP10-related condition. Last evaluated: 2023-08-18. Review status: criteria provided, single submitter. Criteria: ACMG Guidelines, 2015. Collection method: clinical testing. Allele origin: germline.
Comment: The CASP10 c.1198G>A variant is predicted to result in the amino acid substitution p.Ala400Thr. To our knowledge, this variant has not been reported in the literature or in a large population database, indicating this variant is rare. At this time, the clinical significance of this variant is uncertain due to the absence of conclusive functional and genetic evidence.

NM_032977.4(CASP10):c.1198G>A (p.Ala400Thr)

Gene: CASP10 (caspase 10; plus strand). Cytogenetic location: 2q33.1.
Variant type: single nucleotide variant.
Coding change: c.1198G>A on transcript NM_032977.4 (MANE Select); coding-DNA position 1198, G replaced by A.
Protein change: p.Ala400Thr; replaces alanine 400 with threonine.
Molecular consequence: missense variant. On other transcripts: 3 prime UTR variant (1).
Genome position (GRCh38, 1-based): chr2:201,209,345, G>A. VCF-style: chr2-201209345-G-A. GRCh37 (hg19) VCF-style: chr2-202074068-G-A.
Other names: c.997G>A, p.Ala333Thr (NM_001206524.2); c.1069G>A, p.Ala357Thr (NM_001206542.2, NM_001230.5); c.1198G>A, p.Ala400Thr (NM_032974.5); c.*284G>A (NM_032976.4); short protein forms A357T, A400T, A333T.
Identifiers: ClinVar variation 2058509 (VCV002058509.5), dbSNP rs762404236, ClinGen allele CA2053197.